The following is an entry in ClinVar:

ClinVar aggregate classification (germline): Uncertain significance. Review status: criteria provided, multiple submitters, no conflicts (2 of 4 stars). 2 submissions from 2 submitters: Uncertain significance (2). Last evaluated 2025-05-04.

Conditions:
Inborn genetic diseases. Identifiers: MedGen C0950123, MeSH D030342.

Submissions (2):

Ambry Genetics
Classification: Uncertain significance for Inborn genetic diseases. Last evaluated: 2025-05-04. Review status: criteria provided, single submitter. Criteria: Ambry Variant Classification Scheme 2023. Collection method: clinical testing. Allele origin: germline.

Labcorp Genetics (formerly Invitae), Labcorp
Classification: Uncertain significance. Last evaluated: 2024-12-18. Review status: criteria provided, single submitter. Criteria: Invitae Variant Classification Sherloc (09022015). Collection method: clinical testing. Allele origin: germline.
Comment: This sequence change replaces cysteine, which is neutral and slightly polar, with glycine, which is neutral and non-polar, at codon 447 of the NFKB1 protein (p.Cys447Gly). This variant is not present in population databases (gnomAD no frequency). This variant has not been reported in the literature in individuals affected with NFKB1-related conditions. Invitae Evidence Modeling of protein sequence and biophysical properties (such as structural, functional, and spatial information, amino acid conservation, physicochemical variation, residue mobility, and thermodynamic stability) indicates that this missense variant is not expected to disrupt NFKB1 protein function with a negative predictive value of 80%. In summary, the available evidence is currently insufficient to determine the role of this variant in disease. Therefore, it has been classified as a Variant of Uncertain Significance.

NM_003998.4(NFKB1):c.1339T>G (p.Cys447Gly)

Gene: NFKB1 (nuclear factor kappa B subunit 1; plus strand). Cytogenetic location: 4q24.
Variant type: single nucleotide variant.
Coding change: c.1339T>G on transcript NM_003998.4 (MANE Select); coding-DNA position 1339, T replaced by G.
Protein change: p.Cys447Gly; replaces cysteine 447 with glycine.
Molecular consequence: missense variant.
Genome position (GRCh38, 1-based): chr4:102,596,176, T>G. VCF-style: chr4-102596176-T-G. GRCh37 (hg19) VCF-style: chr4-103517333-T-G.
Other names: c.1339T>G (NM_003998.3); c.1336T>G, p.Cys446Gly (NM_001165412.2, NM_001319226.2, NM_001382627.1); c.1339T>G, p.Cys447Gly (NM_001382625.1, NM_001382626.1); c.1297T>G, p.Cys433Gly (NM_001382628.1); short protein forms C446G, C447G, C433G.
Identifiers: ClinVar variation 3701548 (VCV003701548.3).